The following is an entry in ClinVar:

NM_001267727.2(ARSG):c.1438C>T (p.Pro480Ser)

Genes: ARSG (arylsulfatase G; plus strand), PRKAR1A (protein kinase cAMP-dependent type I regulatory subunit alpha; plus strand). Cytogenetic location: 17q24.2.
Variant type: single nucleotide variant.
Coding change: c.1438C>T on transcript NM_001267727.2 (MANE Select); coding-DNA position 1438, C replaced by T.
Protein change: p.Pro480Ser; replaces proline 480 with serine.
Molecular consequence: missense variant. On other transcripts: intron variant (3).
Genome position (GRCh38, 1-based): chr17:68,420,323, C>T. VCF-style: chr17-68420323-C-T. GRCh37 (hg19) VCF-style: chr17-66416464-C-T.
Other names: c.1438C>T, p.Pro480Ser (NM_001352899.2, NM_001352900.2, NM_001352901.2 and 2 more transcripts); c.1435C>T, p.Pro479Ser (NM_001352903.2, NM_001352904.2, NM_001352905.2 and 2 more transcripts); c.1303+18873C>T (NM_001352910.2); c.1255+18873C>T (NM_001352909.2); c.-7+6528C>T (NM_001278433.2); short protein forms P479S, P480S.
Identifiers: ClinVar variation 1480776 (VCV001480776.9), dbSNP rs2147611580, ClinGen allele CA400749114.

ClinVar aggregate classification (germline): Uncertain significance (1 of 4 stars; one submission).

gnomAD v4.1: 1 of 1,614,114 alleles (0.000062%); highest among the groups gnomAD compares: African/African-American, 0.0013%; no homozygotes.

Submission:

Labcorp Genetics (formerly Invitae), Labcorp
Classification: Uncertain significance. Last evaluated: 2023-10-03. Review status: criteria provided, single submitter. Criteria: Invitae Variant Classification Sherloc (09022015). Collection method: clinical testing. Allele origin: germline.
Comment: This sequence change replaces proline, which is neutral and non-polar, with serine, which is neutral and polar, at codon 480 of the ARSG protein (p.Pro480Ser). This variant is not present in population databases (gnomAD no frequency). This variant has not been reported in the literature in individuals affected with ARSG-related conditions. ClinVar contains an entry for this variant (Variation ID: 1480776). Advanced modeling of protein sequence and biophysical properties (such as structural, functional, and spatial information, amino acid conservation, physicochemical variation, residue mobility, and thermodynamic stability) performed at Invitae indicates that this missense variant is not expected to disrupt ARSG protein function. In summary, the available evidence is currently insufficient to determine the role of this variant in disease. Therefore, it has been classified as a Variant of Uncertain Significance.